The following is an entry in ClinVar:

ClinVar aggregate classification (germline): Benign/Likely benign. Review status: criteria provided, multiple submitters, no conflicts (2 of 4 stars). 4 submissions from 4 submitters: Benign (2); Likely benign (2). Last evaluated 2026-03-01.

Conditions:
Hereditary spastic paraplegia 75. Also called: Spastic paraplegia 75, autosomal recessive. Identifiers: Orphanet 459056, MedGen C4225250, MONDO:0014729, OMIM 616680.

Allele frequency attached by ClinVar (database versions not stated): gnomAD exomes 0.00030 and 0.00076; ExAC 0.00091; 1000 Genomes Project 0.00180; 1000 Genomes Project 30x 0.00187; ESP Exome Variant Server 0.00300; gnomAD 0.00318 and 0.00345; TOPMed 0.00364.
gnomAD v4.1: 932 of 1,613,932 alleles (0.058%); highest among the groups gnomAD compares: African/African-American, 1.1%; 5 homozygotes.

Submissions (4):

CeGaT Center for Human Genetics Tuebingen
Classification: Likely benign. Last evaluated: 2026-03-01. Review status: criteria provided, single submitter. Criteria: CeGaT Center For Human Genetics Tuebingen Variant Classification Criteria Version 2. Collection method: clinical testing. Allele origin: germline. Affected: yes. Observed: 2 variant alleles.
Comment: MAG: BP4, BP7, BS1

Labcorp Genetics (formerly Invitae), Labcorp
Classification: Benign for Hereditary spastic paraplegia 75. Last evaluated: 2026-01-27. Review status: criteria provided, single submitter. Criteria: Invitae Variant Classification Sherloc (09022015). Collection method: clinical testing. Allele origin: germline.

Blueprint Genetics
Classification: Likely benign. Last evaluated: 2024-10-02. Review status: criteria provided, single submitter. Criteria: ACMG Guidelines, 2015. Collection method: clinical testing. Allele origin: germline.

Breakthrough Genomics
Classification: Benign. Review status: criteria provided, single submitter. Criteria: ACMG Guidelines, 2015. Collection method: not provided. Allele origin: germline. Inheritance: Autosomal recessive inheritance. Affected: yes.

NM_002361.4(MAG):c.246C>T (p.His82=)

Gene: MAG (myelin associated glycoprotein; plus strand). Cytogenetic location: 19q13.12.
Variant type: single nucleotide variant.
Coding change: c.246C>T on transcript NM_002361.4 (MANE Select); coding-DNA position 246, C replaced by T.
Protein change: p.His82=; no amino-acid change (histidine 82 retained).
Molecular consequence: synonymous variant.
Genome position (GRCh38, 1-based): chr19:35,295,812, C>T. VCF-style: chr19-35295812-C-T. GRCh37 (hg19) VCF-style: chr19-35786715-C-T.
Other names: c.171C>T, p.His57= (NM_001199216.2); c.246C>T, p.His82= (NM_080600.3).
Identifiers: ClinVar variation 976540 (VCV000976540.20), dbSNP rs142156011, ClinGen allele CA9375961.
Genomic context (GRCh38, chr19:35,295,812, plus strand): 5'-TAGCCCCTACCCCAAGAACTACCCCCCGGTGGTCTTCAAGTCGCGCACCCAAGTAGTCCA[C>T]GAGAGCTTCCAGGGCCGCAGCCGCCTCCTGGGGGACCTGGGCCTGCGAAACTGCACCCTC-3'
Protein context (NP_002352.1, residues 72-92): VVFKSRTQVV[His82=]ESFQGRSRLL